The following is an entry in ClinVar:

NM_000218.3(KCNQ1):c.239G>C (p.Gly80Ala)

Gene: KCNQ1 (potassium voltage-gated channel subfamily Q member 1; plus strand). Cytogenetic location: 11p15.5.
Variant type: single nucleotide variant.
Coding change: c.239G>C on transcript NM_000218.3 (MANE Select); coding-DNA position 239, G replaced by C.
Protein change: p.Gly80Ala; replaces glycine 80 with alanine.
Molecular consequence: missense variant.
Genome position (GRCh38, 1-based): chr11:2,445,337, G>C. VCF-style: chr11-2445337-G-C. GRCh37 (hg19) VCF-style: chr11-2466567-G-C.
Other names: short protein forms G80A.
Identifiers: ClinVar variation 960512 (VCV000960512.10), dbSNP rs1846021110, ClinGen allele CA379116894.

ClinVar aggregate classification (germline): Uncertain significance (1 of 4 stars; one submission).

Conditions:
Long QT syndrome (LQTS). Identifiers: MedGen C0023976, MeSH D008133, MONDO:0002442. Disease mechanism: loss of function. Inheritance: Various modes of inheritance.

Submission:

Labcorp Genetics (formerly Invitae), Labcorp
Classification: Uncertain significance for Long QT syndrome. Last evaluated: 2019-08-27. Review status: criteria provided, single submitter. Criteria: Invitae Variant Classification Sherloc (09022015). Collection method: clinical testing. Allele origin: germline.
Comment: Algorithms developed to predict the effect of missense changes on protein structure and function output the following: SIFT: "Tolerated"; PolyPhen-2: "Benign"; Align-GVGD: "Class C0". The alanine amino acid residue is found in multiple mammalian species, suggesting that this missense change does not adversely affect protein function. These predictions have not been confirmed by published functional studies and their clinical significance is uncertain. In summary, the available evidence is currently insufficient to determine the role of this variant in disease. Therefore, it has been classified as a Variant of Uncertain Significance. This variant has not been reported in the literature in individuals with KCNQ1-related conditions. This sequence change replaces glycine with alanine at codon 80 of the KCNQ1 protein (p.Gly80Ala). The glycine residue is moderately conserved and there is a small physicochemical difference between glycine and alanine. This variant is not present in population databases (ExAC no frequency).